The following is an entry in ClinVar:

ClinVar aggregate classification (germline): Uncertain significance (1 of 4 stars; one submission).

Conditions:
Charcot-Marie-Tooth disease dominant intermediate F. Identifiers: Orphanet 352670, MedGen C4749463, MONDO:0014074, OMIM 615185.

Allele frequency attached by ClinVar (database versions not stated): gnomAD exomes 0.00001 and 0.00002; TOPMed 0.00002.
gnomAD v4.1: 31 of 1,597,144 alleles (0.0019%); highest among the groups gnomAD compares: Non-Finnish European, 0.0025%; no homozygotes.

Submission:

Labcorp Genetics (formerly Invitae), Labcorp
Classification: Uncertain significance for Charcot-Marie-Tooth disease dominant intermediate F. Last evaluated: 2024-08-22. Review status: criteria provided, single submitter. Criteria: Invitae Variant Classification Sherloc (09022015). Collection method: clinical testing. Allele origin: germline.
Comment: This sequence change replaces glutamic acid, which is acidic and polar, with lysine, which is basic and polar, at codon 3 of the GNB4 protein (p.Glu3Lys). This variant is present in population databases (no rsID available, gnomAD 0.006%). This variant has not been reported in the literature in individuals affected with GNB4-related conditions. ClinVar contains an entry for this variant (Variation ID: 854180). An algorithm developed to predict the effect of missense changes on protein structure and function (PolyPhen-2) suggests that this variant is likely to be tolerated. In summary, the available evidence is currently insufficient to determine the role of this variant in disease. Therefore, it has been classified as a Variant of Uncertain Significance.

NM_021629.4(GNB4):c.7G>A (p.Glu3Lys)

Gene: GNB4 (G protein subunit beta 4; minus strand). Cytogenetic location: 3q26.33.
Variant type: single nucleotide variant.
Coding change: c.7G>A on transcript NM_021629.4 (MANE Select); coding-DNA position 7, G replaced by A.
Protein change: p.Glu3Lys; replaces glutamic acid 3 with lysine.
Molecular consequence: missense variant.
Genome position (GRCh38, 1-based): chr3:179,426,194, C>T on the plus strand (G>A on the coding strand, the complement: GNB4 is on the minus strand). VCF-style: chr3-179426194-C-T. GRCh37 (hg19) VCF-style: chr3-179143982-C-T.
Other names: short protein forms E3K.
Identifiers: ClinVar variation 854180 (VCV000854180.9), dbSNP rs955229785, ClinGen allele CA88754064.